The following is an entry in ClinVar:

ClinVar aggregate classification (germline): Uncertain significance (1 of 4 stars; one submission).

Allele frequency attached by ClinVar (database versions not stated): gnomAD 0.00001; gnomAD exomes 0.00001; ExAC 0.00002; TOPMed 0.00003; ESP Exome Variant Server 0.00015.
gnomAD v4.1: 20 of 1,614,146 alleles (0.0012%); highest among the groups gnomAD compares: South Asian, 0.0066%; no homozygotes.

Submission:

Labcorp Genetics (formerly Invitae), Labcorp
Classification: Uncertain significance. Last evaluated: 2021-12-02. Review status: criteria provided, single submitter. Criteria: Invitae Variant Classification Sherloc (09022015). Collection method: clinical testing. Allele origin: germline.
Comment: This sequence change replaces isoleucine, which is neutral and non-polar, with valine, which is neutral and non-polar, at codon 649 of the EIF2B5 protein (p.Ile649Val). This variant is present in population databases (rs138598221, gnomAD 0.006%). This variant has not been reported in the literature in individuals affected with EIF2B5-related conditions. Advanced modeling of protein sequence and biophysical properties (such as structural, functional, and spatial information, amino acid conservation, physicochemical variation, residue mobility, and thermodynamic stability) performed at Invitae indicates that this missense variant is not expected to disrupt EIF2B5 protein function. In summary, the available evidence is currently insufficient to determine the role of this variant in disease. Therefore, it has been classified as a Variant of Uncertain Significance.

NM_003907.3(EIF2B5):c.1945A>G (p.Ile649Val)

Gene: EIF2B5 (eukaryotic translation initiation factor 2B subunit epsilon; plus strand). Cytogenetic location: 3q27.1.
Variant type: single nucleotide variant.
Coding change: c.1945A>G on transcript NM_003907.3 (MANE Select); coding-DNA position 1945, A replaced by G.
Protein change: p.Ile649Val; replaces isoleucine 649 with valine.
Molecular consequence: missense variant.
Genome position (GRCh38, 1-based): chr3:184,144,174, A>G. VCF-style: chr3-184144174-A-G. GRCh37 (hg19) VCF-style: chr3-183861962-A-G.
Other names: short protein forms I649V.
Identifiers: ClinVar variation 2142163 (VCV002142163.1), dbSNP rs138598221, ClinGen allele CA2726853.
Genomic context (GRCh38, chr3:184,144,174, plus strand): 5'-AGCCCTGTTTTTAGGAACTACATAAAGCGCGCAGCCGACCATTTGGAAGCGTTAGCAGCC[A>G]TTGAGGACTTCTTCCTAGAGCATGAAGCTCTTGGTATTTCCATGGCCAAGGTGAATATGA-3'
Protein context (NP_003898.2, residues 639-659): AADHLEALAA[Ile649Val]EDFFLEHEAL